The following is an entry in ClinVar:

ClinVar aggregate classification (germline): Uncertain significance. Review status: criteria provided, multiple submitters, no conflicts (2 of 4 stars). 2 submissions from 2 submitters: Uncertain significance (2). Last evaluated 2025-08-24.

Conditions:
Frasier syndrome. Identifiers: Orphanet 347, MedGen C0950122, MeSH D052159, MONDO:0007635, OMIM 136680.
Drash syndrome (DDS). Also called: WILMS TUMOR AND PSEUDO- OR TRUE HERMAPHRODITISM; NEPHROPATHY, WILMS TUMOR, AND GENITAL ANOMALIES. Identifiers: Orphanet 220, MedGen C0950121, MONDO:0008682, OMIM 194080.
Wilms tumor 1 (WT1). Also called: Wilms tumor, somatic. Identifiers: Orphanet 654, MedGen CN033288, MONDO:0008679, OMIM 194070.
11p partial monosomy syndrome (WAGR). Also called: WAGR syndrome; WAGR Complex; WAGR Spectrum Disorder; CHROMOSOME 11p13 DELETION SYNDROME. Identifiers: Orphanet 893, MedGen C0206115, MONDO:0008681, OMIM 194072.
Inborn genetic diseases. Identifiers: MedGen C0950123, MeSH D030342.

gnomAD v4.1: 1 of 1,579,692 alleles (0.000063%); highest among the groups gnomAD compares: East Asian, 0.0023%; no homozygotes.

Submissions (2):

Ambry Genetics
Classification: Uncertain significance for Inborn genetic diseases. Last evaluated: 2025-08-24. Review status: criteria provided, single submitter. Criteria: Ambry Variant Classification Scheme 2023. Collection method: clinical testing. Allele origin: germline.
Comment: The p.P134Q variant (also known as c.401C>A), located in coding exon 1 of the WT1 gene, results from a C to A substitution at nucleotide position 401. The proline at codon 134 is replaced by glutamine, an amino acid with similar properties. This amino acid position is conserved. In addition, this alteration is predicted to be tolerated by in silico analysis. Based on the available evidence, the clinical significance of this variant remains unclear.

Labcorp Genetics (formerly Invitae), Labcorp
Classification: Uncertain significance for Wilms tumor 1; Drash syndrome; 11p partial monosomy syndrome; Frasier syndrome. Last evaluated: 2023-02-09. Review status: criteria provided, single submitter. Criteria: Invitae Variant Classification Sherloc (09022015). Collection method: clinical testing. Allele origin: germline.
Comment: This sequence change replaces proline, which is neutral and non-polar, with glutamine, which is neutral and polar, at codon 134 of the WT1 protein (p.Pro134Gln). This variant is not present in population databases (gnomAD no frequency). This variant has not been reported in the literature in individuals affected with WT1-related conditions. Advanced modeling of protein sequence and biophysical properties (such as structural, functional, and spatial information, amino acid conservation, physicochemical variation, residue mobility, and thermodynamic stability) has been performed at Invitae for this missense variant, however the output from this modeling did not meet the statistical confidence thresholds required to predict the impact of this variant on WT1 protein function. In summary, the available evidence is currently insufficient to determine the role of this variant in disease. Therefore, it has been classified as a Variant of Uncertain Significance.

NM_024426.6(WT1):c.416C>A (p.Pro139Gln)

Genes: WT1 (WT1 transcription factor; minus strand), LOC107982234 (WT1/WT1-AS bi-directional promoter region; plus strand). Cytogenetic location: 11p13.
Variant type: single nucleotide variant.
Coding change: c.416C>A on transcript NM_024426.6 (MANE Select); coding-DNA position 416, C replaced by A.
Protein change: p.Pro139Gln; replaces proline 139 with glutamine.
Molecular consequence: missense variant. On other transcripts: non-coding transcript variant (1).
Genome position (GRCh38, 1-based): chr11:32,434,945, G>T on the plus strand (C>A on the coding strand, the complement: WT1 is on the minus strand). VCF-style: chr11-32434945-G-T. GRCh37 (hg19) VCF-style: chr11-32456491-G-T.
Other names: c.401C>A (NM_024426.4); c.416C>A, p.Pro139Gln (NM_000378.6, NM_001407044.1, NM_001407045.1 and 6 more transcripts); c.401C>A, p.Pro134Gln (NM_024425.2); short protein forms P134Q, P139Q.
Identifiers: ClinVar variation 2172081 (VCV002172081.5), dbSNP rs878855085, ClinGen allele CA379965724.
Genomic context (GRCh38, chr11:32,434,945, plus strand): 5'-TCCTCGTGCGGCTCCGCGCCGCCCCAGCTCGGCTCCTGTTTGATGAAGGAGTGAGGCGGC[G>T]GCGGCGGGGGTGGCGGCGGAGCCGGTGGCGGCGCGGGGCCGCCCAACGACCCGTAAGCCG-3'
Protein context (NP_077744.4, residues 129-149): PPPAPPPPPP[Pro139Gln]PPHSFIKQEP